The following is an entry in ClinVar:

ClinVar aggregate classification (germline): Uncertain significance. Review status: criteria provided, multiple submitters, no conflicts (2 of 4 stars). 3 submissions from 3 submitters: Uncertain significance (3). Last evaluated 2024-12-14.

Conditions:
Inborn genetic diseases. Identifiers: MedGen C0950123, MeSH D030342.
Fanconi anemia (FA). Also called: Fanconi's anemia. Identifiers: Orphanet 84, MedGen C0015625, MeSH D005199, MONDO:0019391.

Allele frequency attached by ClinVar (database versions not stated): gnomAD exomes below 0.00001; ExAC 0.00003; TOPMed 0.00003; gnomAD 0.00004; 1000 Genomes Project 30x 0.00016; 1000 Genomes Project 0.00020.
gnomAD v4.1: 10 of 1,561,554 alleles (0.00064%); highest among the groups gnomAD compares: African/African-American, 0.014%; no homozygotes.

Submissions (3):

Ambry Genetics
Classification: Uncertain significance for Inborn genetic diseases. Last evaluated: 2024-12-14. Review status: criteria provided, single submitter. Criteria: Ambry Variant Classification Scheme 2023. Collection method: clinical testing. Allele origin: germline.
Comment: The p.I1556M variant (also known as c.4668A>G), located in coding exon 18 of the FANCM gene, results from an A to G substitution at nucleotide position 4668. The isoleucine at codon 1556 is replaced by methionine, an amino acid with highly similar properties. This amino acid position is conserved. In addition, this alteration is predicted to be tolerated by in silico analysis. Based on the available evidence, the clinical significance of this variant remains unclear.

Labcorp Genetics (formerly Invitae), Labcorp
Classification: Uncertain significance for Fanconi anemia. Last evaluated: 2024-04-16. Review status: criteria provided, single submitter. Criteria: Invitae Variant Classification Sherloc (09022015). Collection method: clinical testing. Allele origin: germline.
Comment: This sequence change replaces isoleucine, which is neutral and non-polar, with methionine, which is neutral and non-polar, at codon 1556 of the FANCM protein (p.Ile1556Met). This variant is present in population databases (rs531893091, gnomAD 0.02%). This variant has not been reported in the literature in individuals affected with FANCM-related conditions. ClinVar contains an entry for this variant (Variation ID: 1913748). An algorithm developed to predict the effect of missense changes on protein structure and function (PolyPhen-2) suggests that this variant is likely to be disruptive. In summary, the available evidence is currently insufficient to determine the role of this variant in disease. Therefore, it has been classified as a Variant of Uncertain Significance.

GeneDx
Classification: Uncertain significance. Last evaluated: 2023-08-08. Review status: criteria provided, single submitter. Criteria: GeneDx Variant Classification Process June 2021. Collection method: clinical testing. Allele origin: germline.
Comment: In silico analysis supports that this missense variant does not alter protein structure/function; Has not been previously published as pathogenic or benign to our knowledge

NM_020937.4(FANCM):c.4668A>G (p.Ile1556Met)

Gene: FANCM (FA complementation group M; plus strand). Cytogenetic location: 14q21.2.
Variant type: single nucleotide variant.
Coding change: c.4668A>G on transcript NM_020937.4 (MANE Select); coding-DNA position 4668, A replaced by G.
Protein change: p.Ile1556Met; replaces isoleucine 1556 with methionine.
Molecular consequence: missense variant.
Genome position (GRCh38, 1-based): chr14:45,185,369, A>G. VCF-style: chr14-45185369-A-G. GRCh37 (hg19) VCF-style: chr14-45654572-A-G.
Other names: c.4590A>G, p.Ile1530Met (NM_001308133.2); short protein forms I1556M, I1530M.
Identifiers: ClinVar variation 1913748 (VCV001913748.8), dbSNP rs531893091, ClinGen allele CA7169816.